The following is an entry in ClinVar:

ClinVar aggregate classification (germline): Pathogenic. Review status: criteria provided, multiple submitters, no conflicts (2 of 4 stars). 2 submissions from 2 submitters: Pathogenic (2). Last evaluated 2025-02-19.

Conditions:
Spastic paraplegia. Identifiers: MedGen C0037772, HP:0001258.

Submissions (2):

Labcorp Genetics (formerly Invitae), Labcorp
Classification: Pathogenic for Spastic paraplegia. Last evaluated: 2025-02-19. Review status: criteria provided, single submitter. Criteria: Invitae Variant Classification Sherloc (09022015). Collection method: clinical testing. Allele origin: germline.
Comment: This sequence change creates a premature translational stop signal (p.Met645Asnfs*18) in the ZFYVE26 gene. It is expected to result in an absent or disrupted protein product. Loss-of-function variants in ZFYVE26 are known to be pathogenic (PMID: 18394578, 19805727). This variant is not present in population databases (gnomAD no frequency). This variant has not been reported in the literature in individuals affected with ZFYVE26-related conditions. ClinVar contains an entry for this variant (Variation ID: 586644). For these reasons, this variant has been classified as Pathogenic.

Athena Diagnostics
Classification: Pathogenic. Last evaluated: 2018-02-15. Review status: criteria provided, single submitter. Criteria: Athena Diagnostics Criteria. Collection method: clinical testing. Allele origin: germline.

Literature cited by the submitters: PubMed 18394578 (cited by Labcorp Genetics (formerly Invitae), Labcorp); PubMed 19805727 (cited by Labcorp Genetics (formerly Invitae), Labcorp).

NM_015346.4(ZFYVE26):c.1933dup (p.Met645fs)

Gene: ZFYVE26 (zinc finger FYVE-type containing 26; minus strand). Cytogenetic location: 14q24.1.
Variant type: Duplication.
Coding change: c.1933dup on transcript NM_015346.4 (MANE Select); coding-DNA position 1933, one base duplicated (A; older notation c.1933dupA).
Protein change: p.Met645fs; shifts the reading frame from methionine 645.
Molecular consequence: frameshift variant.
Genome position (GRCh38, 1-based): chr14:67,798,329, T duplicated on the plus strand (A on the coding strand, the reverse complement: ZFYVE26 is on the minus strand); the first of 2 consecutive T bases (chr14:67,798,329-67,798,330); duplicating either gives the same sequence. VCF-style (leftmost placement, unchanged base first): chr14-67798328-A-AT. GRCh37 (hg19) VCF-style: chr14-68265045-A-AT.
Other names: short protein forms M645fs.
Identifiers: ClinVar variation 586644 (VCV000586644.3), dbSNP rs1566893090, ClinGen allele CA891843645.